The following is an entry in ClinVar:

NM_014370.4(SRPK3):c.68_91del (p.Ala23_Ser30del)

Gene: SRPK3 (SRSF protein kinase 3; plus strand). Cytogenetic location: Xq28.
Variant type: Deletion.
Coding change: c.68_91del on transcript NM_014370.4 (MANE Select); coding-DNA positions 68 to 91, 24 bases deleted (CCTCCTGCGGGCCCGAGTCCTCGG).
Protein change: p.Ala23_Ser30del.
Molecular consequence: inframe deletion.
Genome position (GRCh38, 1-based): chrX:153,781,224-153,781,247, CCTCCTGCGGGCCCGAGTCCTCGG deleted; deleting any 24 consecutive bases within chrX:153,781,222-153,781,247 gives the same sequence; the c. name uses the placement nearest the transcript's 3' end. VCF-style (leftmost placement, unchanged base first): chrX-153781221-AGGCCTCCTGCGGGCCCGAGTCCTC-A. GRCh37 (hg19) VCF-style: chrX-153046676-AGGCCTCCTGCGGGCCCGAGTCCTC-A.
Other names: c.68_91del, p.Ala23_Ser30del (NM_001170760.2, NM_001170761.2).
Identifiers: ClinVar variation 3067534 (VCV003067534.21), dbSNP rs781933194, ClinGen allele CA10552088.

ClinVar aggregate classification (germline): Likely benign (1 of 4 stars; one submission).

Submission:

CeGaT Center for Human Genetics Tuebingen
Classification: Likely benign. Last evaluated: 2024-03-01. Review status: criteria provided, single submitter. Criteria: CeGaT Center For Human Genetics Tuebingen Variant Classification Criteria Version 2. Collection method: clinical testing. Allele origin: germline. Affected: yes. Observed: 1 variant allele.
Comment: SRPK3: BP3